The following is an entry in ClinVar:

NM_001079872.2(CUL4B):c.2676_2678del (p.Tyr893del)

Gene: CUL4B (cullin 4B; minus strand). Cytogenetic location: Xq24.
Variant type: Deletion.
Coding change: c.2676_2678del on transcript NM_001079872.2 (MANE Select); coding-DNA positions 2676 to 2678, 3 bases deleted (CTA; older notation c.2676_2678delCTA).
Protein change: p.Tyr893del; deletes tyrosine 893.
Molecular consequence: inframe deletion.
Genome position (GRCh38, 1-based): chrX:120,526,771-120,526,773, TAG deleted on the plus strand (CTA on the coding strand, the reverse complement: CUL4B is on the minus strand); deleting any 3 consecutive bases within chrX:120,526,771-120,526,774 gives the same sequence; the c. name uses the placement nearest the transcript's 3' end. VCF-style (leftmost placement, unchanged base first): chrX-120526770-ATAG-A. GRCh37 (hg19) VCF-style: chrX-119660625-ATAG-A.
Other names: c.2691_2693del, p.Tyr898del (NM_001330624.2); c.2142_2144del, p.Tyr715del (NM_001369145.1); c.2730_2732del, p.Tyr911del (NM_003588.4); short protein forms Y715del, Y893del, Y898del, Y911del.
Identifiers: ClinVar variation 4884023 (VCV004884023.2).

ClinVar aggregate classification (germline): Uncertain significance (1 of 4 stars; one submission).

Conditions:
X-linked intellectual disability Cabezas type (MRXSC). Also called: CABEZAS SYNDROME; MENTAL RETARDATION, X-LINKED, SYNDROMIC 15; Intellectual developmental disorder, X-linked syndromic, Cabezas type. Identifiers: Orphanet 85289, Orphanet 85293, MedGen C1845861, MONDO:0010306, OMIM 300354.

Submission:

Dasa
Classification: Uncertain significance for X-linked intellectual disability Cabezas type. Last evaluated: 2025-05-21. Review status: criteria provided, single submitter. Criteria: DASA Assertion Criteria. Collection method: clinical testing. Allele origin: germline.
Comment: NM_001079872.2(CUL4B):c.2676_2678del (p.Tyr893del) is an in-frame deletion predicted to remove tyrosine at protein position 893 without shifting the reading frame. This variant is absent from population databases. The currently available literature and clinical evidence are not sufficient to establish a definitive association between this variant and the reported condition. Therefore, this variant is classified as a variant of uncertain significance.